The following is an entry in ClinVar:

ClinVar aggregate classification (germline): Likely pathogenic (1 of 4 stars; one submission).

Conditions:
O'Donnell-Luria-Rodan syndrome (ODLURO). Also called: KMT2E-Related Neurodevelopmental Disorder. Identifiers: MedGen C5193138, MONDO:0032793, OMIM 618512.

Submission:

Victorian Clinical Genetics Services, Murdoch Childrens Research Institute
Classification: Likely pathogenic for O'Donnell-Luria-Rodan syndrome. Last evaluated: 2026-03-27. Review status: criteria provided, single submitter. Criteria: ACMG Guidelines, 2015. Collection method: clinical testing. Allele origin: germline. Affected: yes.
Comment: This variant is classified as Likely pathogenic. Evidence in support of pathogenic classification: Variant is predicted to result in a truncated protein (premature termination codon is NOT located at least 54 nucleotides upstream of the final exon-exon junction) with less than 1/3 of the protein sequence affected; Variant is absent from gnomAD (v2, v3 and v4); Other truncating variants comparable to the one identified in this case have strong previous evidence for pathogenicity. Multiple downstream truncating variants have been classified as pathogenic or likely pathogenic in ClinVar. Additional information: This variant is heterozygous; This gene is associated with autosomal dominant disease; This variant has no previous evidence of pathogenicity; No published evidence of segregation with disease has been identified for this variant; No published functional evidence has been identified for this variant; Loss of function is a known mechanism of disease in this gene and is associated with O'Donnell-Luria-Rodan syndrome (MIM#618512); The condition associated with this gene has incomplete penetrance. Rarely, individuals have inherited a pathogenic variant from a mildly affected parent (PMID: 31079897, 34321323, 38648332); Variants in this gene are known to have variable expressivity (OMIM).

Literature cited by the submitters: PubMed 38648332; PubMed 34321323; PubMed 31079897.

NM_182931.3(KMT2E):c.4786C>T (p.Gln1596Ter)

Gene: KMT2E (lysine methyltransferase 2E (inactive); plus strand). Cytogenetic location: 7q22.3.
Variant type: single nucleotide variant.
Coding change: c.4786C>T on transcript NM_182931.3 (MANE Select); coding-DNA position 4786, C replaced by T.
Protein change: p.Gln1596Ter; replaces glutamine 1596 with a stop codon.
Molecular consequence: nonsense.
Genome position (GRCh38, 1-based): chr7:105,112,542, C>T. VCF-style: chr7-105112542-C-T. GRCh37 (hg19) VCF-style: chr7-104752989-C-T.
Other names: c.4660C>T, p.Gln1554Ter (NM_001410908.1); c.4786C>T, p.Gln1596Ter (NM_018682.4); short protein forms Q1554*, Q1596*.
Identifiers: ClinVar variation 4879748 (VCV004879748.1).
Genomic context (GRCh38, chr7:105,112,542, plus strand): 5'-CTTTCTCAACAAACTGTGTTTACATCAGGACCAAATCAAGCACTTCCTGGCACCACAAGC[C>T]AGCAAACAGTTCCAGGACACCACGTGACTCCAGGGCATTTTTTGCCCTCTCAGAACCCTA-3'